The following is an entry in ClinVar:

NM_006060.6(IKZF1):c.161-8198A>G

Gene: IKZF1 (IKAROS family zinc finger 1; plus strand). Cytogenetic location: 7p12.2.
Variant type: single nucleotide variant.
Coding change: c.161-8198A>G on transcript NM_006060.6 (MANE Select); 8198 bases into the intron before coding-DNA position 161, A replaced by G.
Molecular consequence: intron variant. On other transcripts: missense variant (1).
Genome position (GRCh38, 1-based): chr7:50,368,335, A>G. VCF-style: chr7-50368335-A-G. GRCh37 (hg19) VCF-style: chr7-50436033-A-G.
Other names: p.?; c.490A>G, p.Arg164Gly (NM_001291845.2); c.161-14205A>G (NM_001291839.2, NM_001291838.2, NM_001220767.2 and 1 more transcripts); c.161-8198A>G (NM_001220765.3, NM_001291837.2, NM_001220768.2 and 1 more transcripts); c.220+270A>G (NM_001291846.2, NM_001291847.2); c.161-19010A>G (NM_001291841.1, NM_001291842.1); c.161-23394A>G (NM_001291843.1, NM_001291844.1); c.161-31583A>G (NM_001291840.1); short protein forms R164G.
Identifiers: ClinVar variation 1299710 (VCV001299710.9), dbSNP rs10899750, ClinGen allele CA4261247.

ClinVar aggregate classification (germline): Benign/Likely benign. Review status: criteria provided, multiple submitters, no conflicts (2 of 4 stars). 6 submissions from 6 submitters: Benign (5); Likely benign (1). Last evaluated 2025-07-21.

Conditions:
Pancytopenia due to IKZF1 mutations. Also called: Immunodeficiency, common variable, 13. Identifiers: Orphanet 317473, MedGen C4225173, MONDO:0014810, OMIM 616873.

Allele frequency attached by ClinVar (database versions not stated): ExAC 0.68623; gnomAD exomes 0.68824 and 0.69045; 1000 Genomes Project 0.71765; 1000 Genomes Project 30x 0.72908; gnomAD 0.75655 and 0.76615; TOPMed 0.76483.

Submissions (6):

ARUP Laboratories, Molecular Genetics and Genomics, ARUP Laboratories
Classification: Benign for Pancytopenia due to IKZF1 mutations. Last evaluated: 2025-07-21. Review status: criteria provided, single submitter. Criteria: ARUP Molecular Germline Variant Investigation Process 2024. Collection method: clinical testing. Allele origin: germline.

Blueprint Genetics
Classification: Likely benign. Last evaluated: 2024-11-27. Review status: criteria provided, single submitter. Criteria: ACMG Guidelines, 2015. Collection method: clinical testing. Allele origin: germline.

Unidad de Genómica Garrahan, Hospital de Pediatría Garrahan
Classification: Benign. Last evaluated: 2023-11-12. Review status: criteria provided, single submitter. Criteria: ACMG Guidelines, 2015. Collection method: clinical testing. Allele origin: germline. Affected: no. Observed: 84 variant alleles.
Comment: This variant is classified as Benign based on local population frequency. This variant was detected in 88% of patients studied by a panel of primary immunodeficiencies. Number of patients: 84. Only high quality variants are reported.

Mayo Clinic Laboratories, Mayo Clinic
Classification: Benign. Last evaluated: 2023-01-06. Review status: criteria provided, single submitter. Criteria: ACMG Guidelines, 2015. Collection method: clinical testing. Allele origin: germline. Observed: 160 variant alleles.

Genome-Nilou Lab
Classification: Benign for Pancytopenia due to IKZF1 mutations. Last evaluated: 2021-08-10. Review status: criteria provided, single submitter. Criteria: ACMG Guidelines, 2015. Collection method: clinical testing. Allele origin: germline. Affected: no.

Breakthrough Genomics
Classification: Benign. Review status: criteria provided, single submitter. Criteria: ACMG Guidelines, 2015. Collection method: not provided. Allele origin: germline. Inheritance: Autosomal dominant inheritance. Affected: yes.